The following is an entry in ClinVar:

NM_000048.4(ASL):c.260A>G (p.Asp87Gly)

Gene: ASL (argininosuccinate lyase; plus strand). Cytogenetic location: 7q11.21.
Variant type: single nucleotide variant.
Coding change: c.260A>G on transcript NM_000048.4 (MANE Select); coding-DNA position 260, A replaced by G.
Protein change: p.Asp87Gly; replaces aspartic acid 87 with glycine.
Molecular consequence: missense variant.
Genome position (GRCh38, 1-based): chr7:66,082,420, A>G. VCF-style: chr7-66082420-A-G. GRCh37 (hg19) VCF-style: chr7-65547407-A-G.
Other names: c.260A>G, p.Asp87Gly (NM_001024943.2, NM_001024944.2, NM_001024946.2); c.260A>G (NM_000048.3); short protein forms D87G.
Identifiers: ClinVar variation 557253 (VCV000557253.13), dbSNP rs752100894, ClinGen allele CA4276864.

ClinVar aggregate classification (germline): Likely pathogenic. Review status: criteria provided, multiple submitters, no conflicts (2 of 4 stars). 4 submissions from 4 submitters: Likely pathogenic (3). 1 of the submissions does not count toward it. Last evaluated 2025-12-02.

Conditions:
Argininosuccinate lyase deficiency. Also called: Argininosuccinic aciduria; ARGININOSUCCINIC ACID LYASE DEFICIENCY; ASL DEFICIENCY. Identifiers: Orphanet 23, MedGen C0268547, MONDO:0008815, OMIM 207900, HP:0025630.

Allele frequency attached by ClinVar (database versions not stated): gnomAD exomes below 0.00001 and 0.00001; ExAC 0.00001.

Submissions (4):

Labcorp Genetics (formerly Invitae), Labcorp
Classification: Likely pathogenic for Argininosuccinate lyase deficiency. Last evaluated: 2025-12-02. Review status: criteria provided, single submitter. Criteria: Invitae Variant Classification Sherloc (09022015). Collection method: clinical testing. Allele origin: germline.
Comment: This sequence change replaces aspartic acid, which is acidic and polar, with glycine, which is neutral and non-polar, at codon 87 of the ASL protein (p.Asp87Gly). The frequency data for this variant in the population databases is considered unreliable, as metrics indicate poor data quality at this position in the gnomAD database. This missense change has been observed in individual(s) with argininosuccinic aciduria (PMID: 12384776, 24166829). ClinVar contains an entry for this variant (Variation ID: 557253). Invitae Evidence Modeling of protein sequence and biophysical properties (such as structural, functional, and spatial information, amino acid conservation, physicochemical variation, residue mobility, and thermodynamic stability) indicates that this missense variant is expected to disrupt ASL protein function with a positive predictive value of 95%. Experimental studies have shown that this missense change affects ASL function (PMID: 11747433). In summary, the currently available evidence indicates that the variant is pathogenic, but additional data are needed to prove that conclusively. Therefore, this variant has been classified as Likely Pathogenic.

Natera, Inc.
Classification: Likely pathogenic for Argininosuccinate lyase deficiency. Last evaluated: 2024-03-01. Review status: criteria provided, single submitter. Criteria: Natera Variant Classification Schema (03/2026). Collection method: clinical testing. Allele origin: germline.
Comment: The c.260A>G variant in ASL is a missense variant predicted to cause substitution of aspartic acid to glycine at amino acid 87. This variant is rare in the general population with a frequency below the threshold expected for the associated phenotype(s). This variant has been observed in one or more individuals affected with the associated recessive disease, as either homozygous or compound heterozygous with a second variant (PMID: 24166829, 9045711, 12384776). Functional studies show that this variant may disrupt protein function (PMID: 9045711). Computational prediction algorithms indicate this variant is likely to affect gene or protein function. Given the available evidence, this variant is classified as Likely Pathogenic.

Fulgent Genetics
Classification: Likely pathogenic for Argininosuccinate lyase deficiency. Last evaluated: 2023-12-23. Review status: criteria provided, single submitter. Criteria: ACMG Guidelines, 2015. Collection method: clinical testing. Allele origin: germline.

Counsyl
Classification: Likely pathogenic for Argininosuccinate lyase deficiency. Last evaluated: 2018-03-14. Review status: no assertion criteria provided. Collection method: clinical testing. Allele origin: unknown. Not counted in ClinVar's aggregate classification.

Literature cited by the submitters: PubMed 12384776 (cited by 3 submitters); PubMed 24166829 (cited by 3 submitters); PubMed 11747433 (cited by Labcorp Genetics (formerly Invitae), Labcorp and Counsyl); PubMed 9045711 (cited by Natera, Inc. and Counsyl); PubMed 15273245 (cited by Counsyl); PubMed 11747432 (cited by Counsyl); PubMed 9256435 (cited by Counsyl).